The following is an entry in ClinVar:

NM_138477.4(CDAN1):c.541G>A (p.Val181Ile)

Gene: CDAN1 (codanin 1; minus strand). Cytogenetic location: 15q15.2.
Variant type: single nucleotide variant.
Coding change: c.541G>A on transcript NM_138477.4 (MANE Select); coding-DNA position 541, G replaced by A.
Protein change: p.Val181Ile; replaces valine 181 with isoleucine.
Molecular consequence: missense variant.
Genome position (GRCh38, 1-based): chr15:42,736,330, C>T on the plus strand (G>A on the coding strand, the complement: CDAN1 is on the minus strand). VCF-style: chr15-42736330-C-T. GRCh37 (hg19) VCF-style: chr15-43028528-C-T.
Other names: short protein forms V181I.
Identifiers: ClinVar variation 3605453 (VCV003605453.2).

ClinVar aggregate classification (germline): Uncertain significance (1 of 4 stars; one submission).

gnomAD v4.1: 12 of 1,613,728 alleles (0.00074%); highest among the groups gnomAD compares: Non-Finnish European, 0.001%; no homozygotes.

Submission:

Labcorp Genetics (formerly Invitae), Labcorp
Classification: Uncertain significance. Last evaluated: 2025-06-02. Review status: criteria provided, single submitter. Criteria: Invitae Variant Classification Sherloc (09022015). Collection method: clinical testing. Allele origin: germline.
Comment: This sequence change replaces valine, which is neutral and non-polar, with isoleucine, which is neutral and non-polar, at codon 181 of the CDAN1 protein (p.Val181Ile). This variant is not present in population databases (gnomAD no frequency). This variant has not been reported in the literature in individuals affected with CDAN1-related conditions. ClinVar contains an entry for this variant (Variation ID: 3605453). An algorithm developed to predict the effect of missense changes on protein structure and function (PolyPhen-2) suggests that this variant is likely to be tolerated. In summary, the available evidence is currently insufficient to determine the role of this variant in disease. Therefore, it has been classified as a Variant of Uncertain Significance.